The following is an entry in ClinVar:

ClinVar aggregate classification (germline): Pathogenic. Review status: reviewed by expert panel (3 of 4 stars). 2 submissions from 2 submitters: Pathogenic (1). 1 of the submissions does not count toward it. Last evaluated 2016-10-18.

Conditions:
Breast-ovarian cancer, familial, susceptibility to, 1 (BROVCA1). Also called: BRCA1 Hereditary Breast and Ovarian Cancer; OVARIAN CANCER, SUSCEPTIBILITY TO. Identifiers: Orphanet 145, MedGen C2676676, MONDO:0011450, OMIM 604370. Disease mechanism: loss of function.

Submissions (2):

Evidence-based Network for the Interpretation of Germline Mutant Alleles (ENIGMA)
Classification: Pathogenic for Breast-ovarian cancer, familial, susceptibility to, 1. Last evaluated: 2016-10-18. Review status: reviewed by expert panel. Criteria: ENIGMA BRCA1/2 Classification Criteria (2015). Collection method: curation. Allele origin: germline.
Comment: Variant allele predicted to encode a truncated non-functional protein.

Consortium of Investigators of Modifiers of BRCA1/2 (CIMBA), c/o University of Cambridge
Classification: Pathogenic for Breast-ovarian cancer, familial, susceptibility to, 1. Last evaluated: 2015-10-02. Review status: criteria provided, single submitter. Criteria: CIMBA Mutation Classification guidelines May 2016. Collection method: clinical testing. Allele origin: germline. Not counted in ClinVar's aggregate classification.

NM_007294.4(BRCA1):c.385_386delinsC (p.Gly129fs)

Gene: BRCA1 (BRCA1 DNA repair associated; minus strand). Cytogenetic location: 17q21.31.
Variant type: Indel.
Coding change: c.385_386delinsC on transcript NM_007294.4 (MANE Select); coding-DNA positions 385 to 386, GG replaced by C.
Protein change: p.Gly129fs; shifts the reading frame from glycine 129.
Molecular consequence: frameshift variant. On other transcripts: non-coding transcript variant (1).
Genome position (GRCh38, 1-based): chr17:43,104,177-43,104,178, CC replaced by G on the plus strand (GG replaced by C on the coding strand, the reverse complement: BRCA1 is on the minus strand). VCF-style: chr17-43104177-CC-G. GRCh37 (hg19) VCF-style: chr17-41256194-CC-G.
Other names: 503_504delGGinsC; c.175_176delGGinsC, p.Gly59Profs (NM_001407571.1, NM_001407853.1, NM_001407879.1 and 58 more transcripts); c.385_386delGGinsC, p.Gly129Profs (NM_001407581.1, NM_001407582.1, NM_001407583.1 and 163 more transcripts); c.376_377delGGinsC, p.Gly126Profs (NM_001407646.1, NM_001407647.1, NM_001408408.1); c.307_308delGGinsC, p.Gly103Profs (NM_001407653.1, NM_001407654.1, NM_001407655.1 and 21 more transcripts); c.244_245delGGinsC, p.Gly82Profs (NM_001407692.1, NM_001407694.1, NM_001407695.1 and 98 more transcripts); c.4_5delGGinsC, p.Gly2Profs (NM_001407959.1, NM_001407960.1, NM_001407962.1 and 4 more transcripts); c.253_254delGGinsC, p.Gly85Profs (NM_001408451.1); and 2 more; short protein forms G129fs, G82fs.
Identifiers: ClinVar variation 266411 (VCV000266411.6), dbSNP rs886040171, ClinGen allele CA10590014.